The following is an entry in ClinVar:

ClinVar aggregate classification (germline): Conflicting classifications of pathogenicity. Review status: criteria provided, conflicting classifications (1 of 4 stars). 3 submissions from 3 submitters: Likely pathogenic (2); Uncertain significance (1). Last evaluated 2024-09-01.

Allele frequency attached by ClinVar (database versions not stated): gnomAD exomes below 0.00001; gnomAD 0.00001.
gnomAD v4.1: 5 of 1,614,076 alleles (0.00031%); highest among the groups gnomAD compares: Non-Finnish European, 0.00042%; no homozygotes.

Submissions (3):

CeGaT Center for Human Genetics Tuebingen
Classification: Likely pathogenic. Last evaluated: 2024-09-01. Review status: criteria provided, single submitter. Criteria: CeGaT Center For Human Genetics Tuebingen Variant Classification Criteria Version 2. Collection method: clinical testing. Allele origin: germline. Affected: yes. Observed: 1 variant allele.
Comment: GALT: PM2, PM3, PM5, PP4

Women's Health and Genetics/Laboratory Corporation of America, LabCorp
Classification: Uncertain significance. Last evaluated: 2023-08-14. Review status: criteria provided, single submitter. Criteria: LabCorp Variant Classification Summary - May 2015. Collection method: clinical testing. Allele origin: germline.
Comment: Variant summary: GALT c.593T>C (p.Ile198Thr) results in a non-conservative amino acid change in the encoded protein sequence. Three of five in-silico tools predict a benign effect of the variant on protein function. The variant allele was found at a frequency of 4e-06 in 251486 control chromosomes (gnomAD). The available data on variant occurrences in the general population are insufficient to allow any conclusion about variant significance. c.593T>C has been reported in the literature in at least one individual affected with Galactosemia (e.g., Elsas_1998), however without strong evidence for causality (e.g., lack of co-occurrence and co-segregation data). This report therefore does not provide unequivocal conclusions about association of the variant with Galactosemia. To our knowledge, no experimental evidence demonstrating an impact on protein function has been reported. The following publication was ascertained in the context of this evaluation (PMID: 11261429). One submitter has reported clinical-significance assessments for this variant to ClinVar after 2014 and has classified the variant as likely pathogenic, citing overlapping evidence. Based on the evidence outlined above, the variant was classified as uncertain significance.

ARUP Laboratories, Molecular Genetics and Genomics, ARUP Laboratories
Classification: Likely pathogenic. Last evaluated: 2018-05-21. Review status: criteria provided, single submitter. Criteria: ARUP Molecular Germline Variant Investigation Process. Collection method: clinical testing. Allele origin: germline.
Comment: The GALT c.593T>C; p.Ile198Thr variant has been described in at least one individual affected with galactosemia (Elsas 1998) and is only observed on 2 alleles in the Genome Aggregation Database. The isoleucine at codon 198 is weakly conserved, but computational algorithms (PolyPhen-2: benign, SIFT: damaging) are inconclusive on the effect of this variant on protein structure and/or function. Another variant at this codon (c.594T>G; p.Ile198Met) has been reported in an individual affected with galactosemia and is considered pathogenic (see link to ARUP GALT database, Elsas 1998). Based on available information, this variant is considered likely pathogenic. References: ARUP GALT Database: Elsas L et al. The molecular biology of galactosemia. Genet Med. 1998 Nov-Dec;1(1):40-8.

Literature cited by the submitters: PubMed 11261429 (cited by Women's Health and Genetics/Laboratory Corporation of America, LabCorp).

NM_000155.4(GALT):c.593T>C (p.Ile198Thr)

Gene: GALT (galactose-1-phosphate uridylyltransferase; plus strand). Cytogenetic location: 9p13.3.
Variant type: single nucleotide variant.
Coding change: c.593T>C on transcript NM_000155.4 (MANE Select); coding-DNA position 593, T replaced by C.
Protein change: p.Ile198Thr; replaces isoleucine 198 with threonine.
Molecular consequence: missense variant.
Genome position (GRCh38, 1-based): chr9:34,648,362, T>C. VCF-style: chr9-34648362-T-C. GRCh37 (hg19) VCF-style: chr9-34648359-T-C.
Other names: c.266T>C, p.Ile89Thr (NM_001258332.2); c.593T>C (NM_000155.3); short protein forms I198T, I89T.
Identifiers: ClinVar variation 618141 (VCV000618141.23), dbSNP rs1483461355, ClinGen allele CA373281958.